The following is an entry in ClinVar:

ClinVar aggregate classification (germline): Likely benign (1 of 4 stars; one submission).

Conditions:
PCSK1-related disorder. Also called: PCSK1-related condition.

Allele frequency attached by ClinVar (database versions not stated): ExAC 0.00002.
gnomAD v4.1: 8 of 1,613,454 alleles (0.0005%); highest among the groups gnomAD compares: Middle Eastern, 0.016%; no homozygotes.

Submission:

PreventionGenetics, part of Exact Sciences
Classification: Likely benign for PCSK1-related condition. Last evaluated: 2023-12-04. Review status: criteria provided, single submitter. Criteria: ACMG Guidelines, 2015. Collection method: clinical testing. Allele origin: germline.
Comment: This variant is classified as likely benign based on ACMG/AMP sequence variant interpretation guidelines (Richards et al. 2015 PMID: 25741868, with internal and published modifications).

NM_000439.5(PCSK1):c.819T>C (p.Asp273=)

Genes: CAST (calpastatin; plus strand), PCSK1 (proprotein convertase subtilisin/kexin type 1; minus strand), LOC101929710 (uncharacterized LOC101929710; plus strand). Cytogenetic location: 5q15.
Variant type: single nucleotide variant.
Coding change: c.819T>C on transcript NM_000439.5 (MANE Select); coding-DNA position 819, T replaced by C.
Protein change: p.Asp273=; no amino-acid change (aspartic acid 273 retained).
Molecular consequence: synonymous variant. On other transcripts: intron variant (11).
Genome position (GRCh38, 1-based): chr5:96,412,381, A>G on the plus strand (T>C on the coding strand, the complement: PCSK1 is on the minus strand). VCF-style: chr5-96412381-A-G. GRCh37 (hg19) VCF-style: chr5-95748085-A-G.
Other names: c.-175+32729A>G (NM_001423252.1, NM_001423257.1, NM_001423260.1 and 6 more transcripts); c.678T>C, p.Asp226= (NM_001177875.2); c.-103+32729A>G (NM_001423253.1); c.-40+32729A>G (NM_001423258.1).
Identifiers: ClinVar variation 3030601 (VCV003030601.1), dbSNP rs746868148, ClinGen allele CA3350372.